The following is an entry in ClinVar:

ClinVar aggregate classification (germline): Conflicting classifications of pathogenicity. Review status: criteria provided, conflicting classifications (1 of 4 stars). 2 submissions from 2 submitters: Uncertain significance (1); Likely benign (1). Last evaluated 2024-01-29.

Conditions:
Waardenburg syndrome type 4C (WS4C). Also called: WAARDENBURG SYNDROME WITH HIRSCHSPRUNG DISEASE, TYPE 4C. Identifiers: Orphanet 897, MedGen C2750452, MONDO:0013202, OMIM 613266.

Allele frequency attached by ClinVar (database versions not stated): ExAC 0.00001; gnomAD 0.00001; gnomAD exomes 0.00001 and 0.00002; TOPMed 0.00002.
gnomAD v4.1: 18 of 1,599,228 alleles (0.0011%); highest among the groups gnomAD compares: East Asian, 0.0022%; no homozygotes.

Submissions (2):

Labcorp Genetics (formerly Invitae), Labcorp
Classification: Uncertain significance. Last evaluated: 2024-01-29. Review status: criteria provided, single submitter. Criteria: Invitae Variant Classification Sherloc (09022015). Collection method: clinical testing. Allele origin: germline.
Comment: This sequence change replaces alanine, which is neutral and non-polar, with threonine, which is neutral and polar, at codon 361 of the SOX10 protein (p.Ala361Thr). This variant is present in population databases (rs770105416, gnomAD 0.005%). This variant has not been reported in the literature in individuals affected with SOX10-related conditions. ClinVar contains an entry for this variant (Variation ID: 982663). Advanced modeling of protein sequence and biophysical properties (such as structural, functional, and spatial information, amino acid conservation, physicochemical variation, residue mobility, and thermodynamic stability) performed at Invitae indicates that this missense variant is not expected to disrupt SOX10 protein function with a negative predictive value of 80%. In summary, the available evidence is currently insufficient to determine the role of this variant in disease. Therefore, it has been classified as a Variant of Uncertain Significance.

Institute of Human Genetics, University of Leipzig Medical Center
Classification: Likely benign for Waardenburg syndrome type 4C. Last evaluated: 2019-01-01. Review status: criteria provided, single submitter. Criteria: ACMG Guidelines, 2015. Collection method: clinical testing. Allele origin: unknown. Affected: yes.

NM_006941.4(SOX10):c.1081G>A (p.Ala361Thr)

Genes: POLR2F (RNA polymerase II, I and III subunit F; plus strand), SOX10 (SRY-box transcription factor 10; minus strand). Cytogenetic location: 22q13.1.
Variant type: single nucleotide variant.
Coding change: c.1081G>A on transcript NM_006941.4 (MANE Select); coding-DNA position 1081, G replaced by A.
Protein change: p.Ala361Thr; replaces alanine 361 with threonine.
Molecular consequence: missense variant. On other transcripts: intron variant (3).
Genome position (GRCh38, 1-based): chr22:37,973,815, C>T on the plus strand (G>A on the coding strand, the complement: SOX10 is on the minus strand). VCF-style: chr22-37973815-C-T. GRCh37 (hg19) VCF-style: chr22-38369822-C-T.
Other names: c.*38+1505C>T (NM_001363825.1); c.293+6645C>T (NM_001301130.2, NM_001301131.2); short protein forms A361T.
Identifiers: ClinVar variation 982663 (VCV000982663.7), dbSNP rs770105416, ClinGen allele CA10228533.